The following is an entry in ClinVar:

ClinVar aggregate classification (germline): Uncertain significance. Review status: criteria provided, multiple submitters, no conflicts (2 of 4 stars). 2 submissions from 2 submitters: Uncertain significance (2). Last evaluated 2026-08-15.

Conditions:
POLD1-related polyposis and colorectal cancer syndrome (CRCS10). Also called: Colorectal cancer 10; COLORECTAL CANCER, SUSCEPTIBILITY TO, ON CHROMOSOME 19q; Colorectal cancer, susceptibility to, 10. Identifiers: Orphanet 220460, MedGen C2675481, MONDO:0012953, OMIM 612591.
Hereditary cancer-predisposing syndrome. Also called: Neoplastic Syndromes, Hereditary; Hereditary Cancer Syndrome; Hereditary neoplastic syndrome; Tumor predisposition. Identifiers: Orphanet 140162, MedGen C0027672, MeSH D009386, MONDO:0015356.

Submissions (2):

Ambry Genetics
Classification: Uncertain significance for Hereditary cancer-predisposing syndrome. Last evaluated: 2026-08-15. Review status: criteria provided, single submitter. Criteria: Ambry Variant Classification Scheme 2023. Collection method: clinical testing. Allele origin: germline.
Comment: The p.A891T variant (also known as c.2671G>A), located in coding exon 20 of the POLD1 gene, results from a G to A substitution at nucleotide position 2671. The alanine at codon 891 is replaced by threonine, an amino acid with similar properties. This amino acid position is conserved. In addition, this alteration is predicted to be tolerated by in silico analysis. Based on the available evidence, the clinical significance of this variant remains unclear.

Labcorp Genetics (formerly Invitae), Labcorp
Classification: Uncertain significance for POLD1-related polyposis and colorectal cancer syndrome. Last evaluated: 2022-05-29. Review status: criteria provided, single submitter. Criteria: Invitae Variant Classification Sherloc (09022015). Collection method: clinical testing. Allele origin: germline.
Comment: This sequence change replaces alanine, which is neutral and non-polar, with threonine, which is neutral and polar, at codon 891 of the POLD1 protein (p.Ala891Thr). This variant is not present in population databases (gnomAD no frequency). This variant has not been reported in the literature in individuals affected with POLD1-related conditions. ClinVar contains an entry for this variant (Variation ID: 638812). Algorithms developed to predict the effect of missense changes on protein structure and function are either unavailable or do not agree on the potential impact of this missense change (SIFT: "Deleterious"; PolyPhen-2: "Benign"; Align-GVGD: "Class C0"). In summary, the available evidence is currently insufficient to determine the role of this variant in disease. Therefore, it has been classified as a Variant of Uncertain Significance.

NM_002691.4(POLD1):c.2671G>A (p.Ala891Thr)

Gene: POLD1 (DNA polymerase delta 1, catalytic subunit; plus strand). Cytogenetic location: 19q13.33.
Variant type: single nucleotide variant.
Coding change: c.2671G>A on transcript NM_002691.4 (MANE Select); coding-DNA position 2671, G replaced by A.
Protein change: p.Ala891Thr; replaces alanine 891 with threonine.
Molecular consequence: missense variant. On other transcripts: non-coding transcript variant (1).
Genome position (GRCh38, 1-based): chr19:50,415,544, G>A. VCF-style: chr19-50415544-G-A. GRCh37 (hg19) VCF-style: chr19-50918801-G-A.
Other names: c.2671G>A, p.Ala891Thr (NM_001256849.1); c.2749G>A, p.Ala917Thr (NM_001308632.1); c.2671G>A (NM_002691.2); short protein forms A891T, A917T.
Identifiers: ClinVar variation 638812 (VCV000638812.9), dbSNP rs1601243345, ClinGen allele CA406985591.
Genomic context (GRCh38, chr19:50,415,544, plus strand): 5'-CTGCTGTGCAACCGCATCGATATCTCCCAGCTGGTCATCACCAAGGAGCTGACCCGCGCG[G>A]CCTCCGACTATGCCGGCAAGCAGGCCCACGTGGAGCTGGCCGAGAGGTCCTGCGCGGGGC-3'
Protein context (NP_002682.2, residues 881-901): LVITKELTRA[Ala891Thr]SDYAGKQAHV